The following is an entry in ClinVar:

ClinVar aggregate classification (germline): Uncertain significance (1 of 4 stars; one submission).

Conditions:
Combined immunodeficiency due to LRBA deficiency. Also called: Common variable immunodeficiency 8, with autoimmunity. Identifiers: Orphanet 445018, MedGen C3553512, MONDO:0013863, OMIM 614700.

Allele frequency attached by ClinVar (database versions not stated): gnomAD exomes below 0.00001 and 0.00001; ExAC 0.00001; TOPMed 0.00001.
gnomAD v4.1: 4 of 1,613,520 alleles (0.00025%); highest among the groups gnomAD compares: Admixed American, 0.005%; no homozygotes.

Submission:

Labcorp Genetics (formerly Invitae), Labcorp
Classification: Uncertain significance for Combined immunodeficiency due to LRBA deficiency. Last evaluated: 2025-09-02. Review status: criteria provided, single submitter. Criteria: Invitae Variant Classification Sherloc (09022015). Collection method: clinical testing. Allele origin: germline.
Comment: This sequence change replaces glutamine, which is neutral and polar, with glutamic acid, which is acidic and polar, at codon 2295 of the LRBA protein (p.Gln2295Glu). This variant is present in population databases (rs755968022, gnomAD 0.003%). This variant has not been reported in the literature in individuals affected with LRBA-related conditions. ClinVar contains an entry for this variant (Variation ID: 961686). Invitae Evidence Modeling of protein sequence and biophysical properties (such as structural, functional, and spatial information, amino acid conservation, physicochemical variation, residue mobility, and thermodynamic stability) has been performed for this missense variant. However, the output from this modeling did not meet the statistical confidence thresholds required to predict the impact of this variant on LRBA protein function. In summary, the available evidence is currently insufficient to determine the role of this variant in disease. Therefore, it has been classified as a Variant of Uncertain Significance.

NM_001364905.1(LRBA):c.6850C>G (p.Gln2284Glu)

Gene: LRBA (LPS responsive beige-like anchor protein; minus strand). Cytogenetic location: 4q31.3.
Variant type: single nucleotide variant.
Coding change: c.6850C>G on transcript NM_001364905.1 (MANE Select); coding-DNA position 6850, C replaced by G.
Protein change: p.Gln2284Glu; replaces glutamine 2284 with glutamic acid.
Molecular consequence: missense variant.
Genome position (GRCh38, 1-based): chr4:150,436,795, G>C on the plus strand (C>G on the coding strand, the complement: LRBA is on the minus strand). VCF-style: chr4-150436795-G-C. GRCh37 (hg19) VCF-style: chr4-151357947-G-C.
Other names: c.6850C>G, p.Gln2284Glu (NM_001199282.3, NM_001367550.1); c.6883C>G, p.Gln2295Glu (NM_006726.5); short protein forms Q2284E, Q2295E.
Identifiers: ClinVar variation 961686 (VCV000961686.8), dbSNP rs755968022, ClinGen allele CA3101796.